The following is an entry in ClinVar:

ClinVar aggregate classification (germline): Pathogenic. Review status: criteria provided, single submitter (1 of 4 stars). 3 submissions from 3 submitters: Pathogenic (1). 2 of the submissions do not count toward it. Last evaluated 2018-08-26.

Conditions:
Chédiak-Higashi syndrome (CHS). Also called: Chediak-Higashi Syndrome. Identifiers: Orphanet 167, MedGen C0007965, MONDO:0008963, OMIM 214500.

Allele frequency attached by ClinVar (database versions not stated): TOPMed below 0.00001; gnomAD 0.00001.
gnomAD v4.1: 1 of 1,613,792 alleles (0.000062%); highest among the groups gnomAD compares: African/African-American, 0.0013%; no homozygotes.

Submissions (3):

Labcorp Genetics (formerly Invitae), Labcorp
Classification: Pathogenic for ChÃ©diak-Higashi syndrome. Last evaluated: 2018-08-26. Review status: criteria provided, single submitter. Criteria: Invitae Variant Classification Sherloc (09022015). Collection method: clinical testing. Allele origin: germline.
Comment: This sequence change creates a premature translational stop signal (p.Arg309*) in the LYST gene. It is expected to result in an absent or disrupted protein product. This variant is not present in population databases (ExAC no frequency). This variant has been observed in individuals affected withÂ¬â€ Chediak-Higashi syndromeÂ¬â€ (PMID:Â¬â€ 24072239). ClinVar contains an entry for this variant (Variation ID: 180621). Loss-of-function variants in LYST are known to be pathogenic (PMID: 9215679, 11857544). For these reasons, this variant has been classified as Pathogenic.

Department of Genetics, Sultan Qaboos University Hospital
Classification: Pathogenic for Chédiak-Higashi syndrome. Last evaluated: 2017-12-30. Review status: no assertion criteria provided. Collection method: curation. Allele origin: unknown. Affected: yes. Not counted in ClinVar's aggregate classification.

GeneReviews
No classification provided. Condition: Chédiak-Higashi syndrome. Review status: no classification provided. Collection method: literature only. Allele origin: germline. Not counted in ClinVar's aggregate classification.

Literature cited by the submitters: PubMed 24072239 (cited by Department of Genetics, Sultan Qaboos University Hospital).

NM_000081.4(LYST):c.925C>T (p.Arg309Ter)

Gene: LYST (lysosomal trafficking regulator; minus strand). Cytogenetic location: 1q42.3.
Variant type: single nucleotide variant.
Coding change: c.925C>T on transcript NM_000081.4 (MANE Select); coding-DNA position 925, C replaced by T.
Protein change: p.Arg309Ter; replaces arginine 309 with a stop codon.
Molecular consequence: nonsense.
Genome position (GRCh38, 1-based): chr1:235,809,893, G>A on the plus strand (C>T on the coding strand, the complement: LYST is on the minus strand). VCF-style: chr1-235809893-G-A. GRCh37 (hg19) VCF-style: chr1-235973193-G-A.
Other names: c.925C>T, p.Arg309Ter (NM_001301365.1); short protein forms R309*.
Identifiers: ClinVar variation 180621 (VCV000180621.6), dbSNP rs370022675, ClinGen allele CA347079.
Genomic context (GRCh38, chr1:235,809,893, plus strand): 5'-GAAAGAGCATCCTTTGAATCAAAGCCACCGGTTCTTCGGTCCAACCTGCAGAAACTACTC[G>A]ACTCTCCAAGTTGTCGCTCAGACTGCAGCAGTCCCCAAAGCCTGCTAGGAATTCAGTTAG-3'